The following is an entry in ClinVar:

ClinVar aggregate classification (germline): Uncertain significance. Review status: criteria provided, multiple submitters, no conflicts (2 of 4 stars). 2 submissions from 2 submitters: Uncertain significance (2). Last evaluated 2023-11-21.

Conditions:
Inborn genetic diseases. Identifiers: MedGen C0950123, MeSH D030342.
Orthostatic hypotension 1 (ORTHYP1). Also called: Orthostatic hypotension 1, due to DBH deficiency; NORADRENALINE DEFICIENCY; NOREPINEPHRINE DEFICIENCY; Dopamine beta-hydroxylase deficiency. Identifiers: Orphanet 230, MedGen C4746777, MONDO:0009123, OMIM 223360.

Allele frequency attached by ClinVar (database versions not stated): ESP Exome Variant Server 0.00008; TOPMed 0.00009.
gnomAD v4.1: 82 of 1,614,148 alleles (0.0051%); highest among the groups gnomAD compares: Middle Eastern, 0.13%; 1 homozygote.

Submissions (2):

Ambry Genetics
Classification: Uncertain significance for Inborn genetic diseases. Last evaluated: 2023-11-21. Review status: criteria provided, single submitter. Criteria: Ambry Variant Classification Scheme 2023. Collection method: clinical testing. Allele origin: germline.

Labcorp Genetics (formerly Invitae), Labcorp
Classification: Uncertain significance for Orthostatic hypotension 1. Last evaluated: 2022-06-14. Review status: criteria provided, single submitter. Criteria: Invitae Variant Classification Sherloc (09022015). Collection method: clinical testing. Allele origin: germline.
Comment: This sequence change replaces threonine, which is neutral and polar, with methionine, which is neutral and non-polar, at codon 372 of the DBH protein (p.Thr372Met). This variant is present in population databases (rs375806157, gnomAD 0.02%). This variant has not been reported in the literature in individuals affected with DBH-related conditions. Algorithms developed to predict the effect of missense changes on protein structure and function are either unavailable or do not agree on the potential impact of this missense change (SIFT: "Deleterious"; PolyPhen-2: "Probably Damaging"; Align-GVGD: "Class C15"). In summary, the available evidence is currently insufficient to determine the role of this variant in disease. Therefore, it has been classified as a Variant of Uncertain Significance.

NM_000787.4(DBH):c.1115C>T (p.Thr372Met)

Gene: DBH (dopamine beta-hydroxylase; plus strand). Cytogenetic location: 9q34.2.
Variant type: single nucleotide variant.
Coding change: c.1115C>T on transcript NM_000787.4 (MANE Select); coding-DNA position 1115, C replaced by T.
Protein change: p.Thr372Met; replaces threonine 372 with methionine.
Molecular consequence: missense variant.
Genome position (GRCh38, 1-based): chr9:133,647,936, C>T. VCF-style: chr9-133647936-C-T. GRCh37 (hg19) VCF-style: chr9-136513058-C-T.
Other names: c.1115C>T (NM_000787.3); short protein forms T372M.
Identifiers: ClinVar variation 2069384 (VCV002069384.2), dbSNP rs375806157, ClinGen allele CA5313319.